The following is an entry in ClinVar:

NM_000101.4(CYBA):c.574G>A (p.Asp192Asn)

Gene: CYBA (cytochrome b-245 alpha chain; minus strand). Cytogenetic location: 16q24.2.
Variant type: single nucleotide variant.
Coding change: c.574G>A on transcript NM_000101.4 (MANE Select); coding-DNA position 574, G replaced by A.
Protein change: p.Asp192Asn; replaces aspartic acid 192 with asparagine.
Molecular consequence: missense variant.
Genome position (GRCh38, 1-based): chr16:88,643,367, C>T on the plus strand (G>A on the coding strand, the complement: CYBA is on the minus strand). VCF-style: chr16-88643367-C-T. GRCh37 (hg19) VCF-style: chr16-88709775-C-T.
Other names: c.574G>A (NM_000101.2); short protein forms D192N.
Identifiers: ClinVar variation 1437452 (VCV001437452.6), dbSNP rs777676283, ClinGen allele CA8228168.

ClinVar aggregate classification (germline): Uncertain significance. Review status: criteria provided, multiple submitters, no conflicts (2 of 4 stars). 2 submissions from 2 submitters: Uncertain significance (2). Last evaluated 2022-08-16.

Conditions:
Granulomatous disease, chronic, autosomal recessive, cytochrome b-negative. Also called: CGD DUE TO DEFICIENCY OF THE ALPHA SUBUNIT OF CYTOCHROME b; CGD, AUTOSOMAL RECESSIVE CYTOCHROME b-NEGATIVE; CYBA DEFICIENCY; GRANULOMATOUS DISEASE, CHRONIC, AUTOSOMAL RECESSIVE, 4; Chronic granulomatous disease, autosomal, due to deficiency of CYBA. Identifiers: Orphanet 379, MedGen C1856255, MONDO:0009308, OMIM 233690.
Inborn genetic diseases. Identifiers: MedGen C0950123, MeSH D030342.

gnomAD v4.1: 7 of 1,526,540 alleles (0.00046%); highest among the groups gnomAD compares: African/African-American, 0.0028%; no homozygotes.

Submissions (2):

Ambry Genetics
Classification: Uncertain significance for Inborn genetic diseases. Last evaluated: 2022-08-16. Review status: criteria provided, single submitter. Criteria: Ambry Variant Classification Scheme 2023. Collection method: clinical testing. Allele origin: germline.

Labcorp Genetics (formerly Invitae), Labcorp
Classification: Uncertain significance for Granulomatous disease, chronic, autosomal recessive, cytochrome b-negative. Last evaluated: 2021-09-24. Review status: criteria provided, single submitter. Criteria: Invitae Variant Classification Sherloc (09022015). Collection method: clinical testing. Allele origin: germline.
Comment: This sequence change replaces aspartic acid with asparagine at codon 192 of the CYBA protein (p.Asp192Asn). The aspartic acid residue is highly conserved and there is a small physicochemical difference between aspartic acid and asparagine. The frequency data for this variant in the population databases is considered unreliable, as metrics indicate poor data quality at this position in the ExAC database. This variant has not been reported in the literature in individuals with CYBA-related conditions. Algorithms developed to predict the effect of missense changes on protein structure and function are either unavailable or do not agree on the potential impact of this missense change (SIFT: "Deleterious"; PolyPhen-2: "Probably Damaging"; Align-GVGD: "Class C0"). In summary, the available evidence is currently insufficient to determine the role of this variant in disease. Therefore, it has been classified as a Variant of Uncertain Significance.